The following is an entry in ClinVar:

ClinVar aggregate classification (germline): Uncertain significance. Review status: criteria provided, multiple submitters, no conflicts (2 of 4 stars). 2 submissions from 2 submitters: Uncertain significance (2). Last evaluated 2025-05-05.

Allele frequency attached by ClinVar (database versions not stated): gnomAD exomes below 0.00001; TOPMed below 0.00001; ExAC 0.00001; gnomAD 0.00001.
gnomAD v4.1: 6 of 1,612,152 alleles (0.00037%); highest among the groups gnomAD compares: Non-Finnish European, 0.00051%; no homozygotes.

Submissions (2):

Ambry Genetics
Classification: Uncertain significance. Last evaluated: 2025-05-05. Review status: criteria provided, single submitter. Criteria: Ambry Variant Classification Scheme 2023. Collection method: clinical testing. Allele origin: germline.

Labcorp Genetics (formerly Invitae), Labcorp
Classification: Uncertain significance. Last evaluated: 2023-05-10. Review status: criteria provided, single submitter. Criteria: Invitae Variant Classification Sherloc (09022015). Collection method: clinical testing. Allele origin: germline.
Comment: In summary, the available evidence is currently insufficient to determine the role of this variant in disease. Therefore, it has been classified as a Variant of Uncertain Significance. An algorithm developed to predict the effect of missense changes on protein structure and function (PolyPhen-2) suggests that this variant is likely to be disruptive. ClinVar contains an entry for this variant (Variation ID: 1970063). This variant has not been reported in the literature in individuals affected with DSCAML1-related conditions. This variant is not present in population databases (gnomAD no frequency). This sequence change replaces tyrosine, which is neutral and polar, with histidine, which is basic and polar, at codon 1631 of the DSCAML1 protein (p.Tyr1631His).

NM_020693.4(DSCAML1):c.4711T>C (p.Tyr1571His)

Gene: DSCAML1 (DS cell adhesion molecule like 1; minus strand). Cytogenetic location: 11q23.3.
Variant type: single nucleotide variant.
Coding change: c.4711T>C on transcript NM_020693.4 (MANE Select); coding-DNA position 4711, T replaced by C.
Protein change: p.Tyr1571His; replaces tyrosine 1571 with histidine.
Molecular consequence: missense variant.
Genome position (GRCh38, 1-based): chr11:117,437,131, A>G on the plus strand (T>C on the coding strand, the complement: DSCAML1 is on the minus strand). VCF-style: chr11-117437131-A-G. GRCh37 (hg19) VCF-style: chr11-117307847-A-G.
Other names: c.4891T>C (NM_020693.2); short protein forms Y1571H.
Identifiers: ClinVar variation 1970063 (VCV001970063.6), dbSNP rs763462969, ClinGen allele CA6296307.